The following is an entry in ClinVar:

ClinVar aggregate classification (germline): Uncertain significance (1 of 4 stars; one submission).

Submission:

Ambry Genetics
Classification: Uncertain significance. Last evaluated: 2022-11-10. Review status: criteria provided, single submitter. Criteria: Ambry Variant Classification Scheme 2023. Collection method: clinical testing. Allele origin: germline.
Comment: The p.Q493H variant (also known as c.1479G>C), located in coding exon 13 of the RAD54L gene, results from a G to C substitution at nucleotide position 1479. The glutamine at codon 493 is replaced by histidine, an amino acid with highly similar properties. This amino acid position is conserved. In addition, this alteration is predicted to be tolerated by in silico analysis. Since supporting evidence is limited at this time, the clinical significance of this alteration remains unclear.

NM_003579.4(RAD54L):c.1479G>C (p.Gln493His)

Gene: RAD54L (RAD54 like; plus strand). Cytogenetic location: 1p34.1.
Variant type: single nucleotide variant.
Coding change: c.1479G>C on transcript NM_003579.4 (MANE Select); coding-DNA position 1479, G replaced by C.
Protein change: p.Gln493His; replaces glutamine 493 with histidine.
Molecular consequence: missense variant.
Genome position (GRCh38, 1-based): chr1:46,273,458, G>C. VCF-style: chr1-46273458-G-C. GRCh37 (hg19) VCF-style: chr1-46739130-G-C.
Other names: c.1479G>C, p.Gln493His (NM_001142548.2); c.939G>C, p.Gln313His (NM_001370766.1); short protein forms Q313H, Q493H.
Identifiers: ClinVar variation 2447785 (VCV002447785.2), dbSNP rs867042148, ClinGen allele CA340181322.
Genomic context (GRCh38, chr1:46,273,458, plus strand): 5'-CTTTGTGGGTGCCTTGGACCTCTTCCCTCCTGGTTACAGCTCTAAGGCCCTGGAGCCCCA[G>C]CTGTCAGGTGACCCTTTTCCTACCAGTATTTGGGCTTCTCTAGGAGGAGGGTGGGAGATT-3'
Protein context (NP_003570.2, residues 483-503): PGYSSKALEP[Gln493His]LSGKMLVLDY